The following is an entry in ClinVar:

NM_014270.5(SLC7A9):c.1224+4167_1324del

Gene: SLC7A9 (solute carrier family 7 member 9; minus strand). Cytogenetic location: 19q13.11.
Variant type: Deletion.
Coding change: c.1224+4167_1324del on transcript NM_014270.5 (MANE Select); 4167 bases into the intron after coding-DNA position 1224 through coding-DNA position 1324, 4,778 bases deleted.
Molecular consequence: splice acceptor variant.
Genome position (GRCh38, 1-based): chr19:32,833,224-32,838,001, 4,778 bases deleted. GRCh37 (hg19): chr19:33,324,131-33,328,908.
Other names: c.1224+4167_1324del (NM_001126335.2, NM_001243036.2).
Identifiers: ClinVar variation 242913 (VCV000242913.2), ClinGen allele CA10584026.

ClinVar aggregate classification (germline): Pathogenic (1 of 4 stars; one submission).

Conditions:
Cystinuria (CSNU). Also called: CYSTINURIA, TYPE I; CYSTINURIA, TYPE II; CYSTINURIA, TYPE III; Cystinuria, non-type I. Identifiers: Orphanet 214, MedGen C0010691, MONDO:0009067, OMIM 220100, HP:0003131.

Submission:

Center of Genomic medicine, Geneva, University Hospital of Geneva
Classification: Pathogenic for Cystinuria. Last evaluated: 2015-09-21. Review status: criteria provided, single submitter. Criteria: ACMG Guidelines, 2015. Collection method: clinical testing. Allele origin: germline. Affected: yes. Observed: 2 variant alleles. Study: Final Reports_Cases2015_1.